The following is an entry in ClinVar:

NM_206933.4(USH2A):c.13646T>A (p.Leu4549Ter)

Gene: USH2A (usherin; minus strand). Cytogenetic location: 1q41.
Variant type: single nucleotide variant.
Coding change: c.13646T>A on transcript NM_206933.4 (MANE Select); coding-DNA position 13646, T replaced by A.
Protein change: p.Leu4549Ter; replaces leucine 4549 with a stop codon.
Molecular consequence: nonsense.
Genome position (GRCh38, 1-based): chr1:215,674,265, A>T on the plus strand (T>A on the coding strand, the complement: USH2A is on the minus strand). VCF-style: chr1-215674265-A-T. GRCh37 (hg19) VCF-style: chr1-215847607-A-T.
Other names: short protein forms L4549*.
Identifiers: ClinVar variation 1725293 (VCV001725293.2), dbSNP rs2464894203, ClinGen allele CA344844107.
Genomic context (GRCh38, chr1:215,674,265, plus strand): 5'-ATGAAGAGGGTATAATTGATGATATCACCATTTGTTCTCACTGGAGGGTCCCAGTTCACT[A>T]AGATCTCCTGAGGACCCCTGGCCTGCAATTTTGGAGGTTCCATCCCTGAGGGTGCTGAGG-3'

ClinVar aggregate classification (germline): Likely pathogenic (1 of 4 stars; one submission).

Conditions:
Usher syndrome type 2A. Also called: RETINAL DISEASE IN USHER SYNDROME TYPE IIA, MODIFIER OF; USHER SYNDROME, TYPE IIA. Identifiers: Orphanet 231178, Orphanet 886, MedGen C1848634, MONDO:0010169, OMIM 276901.

Submission:

Myriad Genetics, Inc.
Classification: Likely pathogenic for Usher syndrome type 2A. Last evaluated: 2022-03-15. Review status: criteria provided, single submitter. Criteria: Myriad Women's Health Autosomal Recessive and X-Linked Classification Criteria (2021). Collection method: clinical testing. Allele origin: unknown.
Comment: NM_206933.2(USH2A):c.13646T>A(L4549*) is expected to be pathogenic in the context of USH2A-related disorders. This variant is predicted to lead to an abnormal or absent protein product due to the creation of a premature termination codon in USH2A, a gene where loss-of-function variants are known to be pathogenic. Please note: this variant was assessed in the context of healthy population screening.